The following is an entry in ClinVar:

NM_002734.5(PRKAR1A):c.443A>T (p.Asp148Val)

Gene: PRKAR1A (protein kinase cAMP-dependent type I regulatory subunit alpha; plus strand). Cytogenetic location: 17q24.2.
Variant type: single nucleotide variant.
Coding change: c.443A>T on transcript NM_002734.5 (MANE Select); coding-DNA position 443, A replaced by T.
Protein change: p.Asp148Val; replaces aspartic acid 148 with valine.
Molecular consequence: missense variant.
Genome position (GRCh38, 1-based): chr17:68,524,018, A>T. VCF-style: chr17-68524018-A-T. GRCh37 (hg19) VCF-style: chr17-66520159-A-T.
Other names: c.443A>T, p.Asp148Val (NM_001276289.2, NM_001276290.1, NM_001278433.2 and 4 more transcripts); short protein forms D148V.
Identifiers: ClinVar variation 3938090 (VCV003938090.1).

ClinVar aggregate classification (germline): Uncertain significance (1 of 4 stars; one submission).

Conditions:
Hereditary cancer-predisposing syndrome. Also called: Tumor predisposition; Hereditary neoplastic syndrome; Hereditary Cancer Syndrome; Neoplastic Syndromes, Hereditary. Identifiers: Orphanet 140162, MedGen C0027672, MeSH D009386, MONDO:0015356.

Submission:

Ambry Genetics
Classification: Uncertain significance for Hereditary cancer-predisposing syndrome. Last evaluated: 2025-04-09. Review status: criteria provided, single submitter. Criteria: Ambry Variant Classification Scheme 2023. Collection method: clinical testing. Allele origin: germline.
Comment: The p.D148V variant (also known as c.443A>T), located in coding exon 4 of the PRKAR1A gene, results from an A to T substitution at nucleotide position 443. The aspartic acid at codon 148 is replaced by valine, an amino acid with highly dissimilar properties. This amino acid position is conserved. In addition, this alteration is predicted to be deleterious by in silico analysis. Based on the available evidence, the clinical significance of this variant remains unclear.